The following is an entry in ClinVar:

ClinVar aggregate classification (germline): Conflicting classifications of pathogenicity. Review status: criteria provided, conflicting classifications (1 of 4 stars). 5 submissions from 5 submitters: Uncertain significance (4); Likely benign (1). Last evaluated 2026-01-01.

Conditions:
Congenital myasthenic syndrome 4C (CMS4C). Also called: Myasthenic syndrome, congenital, associated with acetylcholine receptor deficiency. Identifiers: Orphanet 590, MedGen C1837091, MONDO:0012157, OMIM 608931.
Inborn genetic diseases. Identifiers: MedGen C0950123, MeSH D030342.
Congenital myasthenic syndrome 2A. Also called: Myasthenic syndrome, congenital, 2a, slow-channel. Identifiers: Orphanet 590, MedGen C4225374, MONDO:0014581, OMIM 616313.

Allele frequency attached by ClinVar (database versions not stated): gnomAD exomes 0.00003 and 0.00011; ExAC 0.00016; gnomAD 0.00044 and 0.00049; ESP Exome Variant Server 0.00046; TOPMed 0.00051.
gnomAD v4.1: 119 of 1,613,992 alleles (0.0074%); highest among the groups gnomAD compares: African/African-American, 0.13%; no homozygotes.

Submissions (5):

Labcorp Genetics (formerly Invitae), Labcorp
Classification: Likely benign for Congenital myasthenic syndrome 2A. Last evaluated: 2026-01-01. Review status: criteria provided, single submitter. Criteria: Invitae Variant Classification Sherloc (09022015). Collection method: clinical testing. Allele origin: germline.

GeneDx
Classification: Uncertain significance. Last evaluated: 2023-12-04. Review status: criteria provided, single submitter. Criteria: GeneDx Variant Classification Process June 2021. Collection method: clinical testing. Allele origin: germline. Affected: yes.
Comment: In silico analysis supports that this missense variant does not alter protein structure/function; Has not been previously published as pathogenic or benign to our knowledge

Ambry Genetics
Classification: Uncertain significance for Inborn genetic diseases. Last evaluated: 2021-07-20. Review status: criteria provided, single submitter. Criteria: Ambry Variant Classification Scheme 2023. Collection method: clinical testing. Allele origin: germline.

Revvity Omics, Revvity
Classification: Uncertain significance. Last evaluated: 2019-08-21. Review status: criteria provided, single submitter. Criteria: ACMG Guidelines, 2015. Collection method: clinical testing. Allele origin: germline.

Illumina Laboratory Services, Illumina
Classification: Uncertain significance for Congenital myasthenic syndrome 4C. Last evaluated: 2018-01-13. Review status: criteria provided, single submitter. Criteria: ICSL Variant Classification Criteria 13 December 2019. Collection method: clinical testing. Allele origin: germline.

NM_000747.3(CHRNB1):c.1268C>A (p.Pro423Gln)

Gene: CHRNB1 (cholinergic receptor nicotinic beta 1 subunit; plus strand). Cytogenetic location: 17p13.1.
Variant type: single nucleotide variant.
Coding change: c.1268C>A on transcript NM_000747.3 (MANE Select); coding-DNA position 1268, C replaced by A.
Protein change: p.Pro423Gln; replaces proline 423 with glutamine.
Molecular consequence: missense variant.
Genome position (GRCh38, 1-based): chr17:7,455,844, C>A. VCF-style: chr17-7455844-C-A. GRCh37 (hg19) VCF-style: chr17-7359163-C-A.
Other names: short protein forms P423Q.
Identifiers: ClinVar variation 888630 (VCV000888630.17), dbSNP rs138920330, ClinGen allele CA8348025.